The following is an entry in ClinVar:

ClinVar aggregate classification (germline): Pathogenic/Likely pathogenic. Review status: criteria provided, multiple submitters, no conflicts (2 of 4 stars). 3 submissions from 3 submitters: Pathogenic (1); Likely pathogenic (2). Last evaluated 2024-03-29.

Conditions:
Stromme syndrome (STROMS). Also called: Ciliary dyskinesia, primary, 31; Strømme Syndrome; APPLE PEEL SYNDROME WITH MICROCEPHALY AND OCULAR ANOMALIES. Identifiers: Orphanet 444069, Orphanet 506307, MedGen C1855705, MONDO:0009477, OMIM 243605.

Submissions (3):

Genomic Medicine Center of Excellence, King Faisal Specialist Hospital and Research Centre
Classification: Likely pathogenic for Stromme syndrome. Last evaluated: 2024-03-29. Review status: criteria provided, single submitter. Criteria: ACMG Guidelines, 2015. Collection method: clinical testing. Allele origin: germline.

Daryl Scott Lab, Baylor College of Medicine
Classification: Pathogenic for Stromme syndrome. Last evaluated: 2024-01-01. Review status: criteria provided, single submitter. Criteria: ACMG Guidelines, 2015. Collection method: clinical testing. Allele origin: maternal. Affected: yes. Observed: 1 heterozygote.
Comment: PVS1, PM2, PM3

GeneDx
Classification: Likely pathogenic. Last evaluated: 2020-02-04. Review status: criteria provided, single submitter. Criteria: GeneDx Variant Classification Process June 2021. Collection method: clinical testing. Allele origin: germline. Affected: yes.
Comment: Frameshift variant predicted to result in protein truncation or nonsense mediated decay in a gene for which loss-of-function is a known mechanism of disease; Not observed in large population cohorts (Lek et al., 2016); Has not been previously published as pathogenic or benign to our knowledge

NM_016343.4(CENPF):c.1026del (p.Glu342fs)

Gene: CENPF (centromere protein F; plus strand). Cytogenetic location: 1q41.
Variant type: Deletion.
Coding change: c.1026del on transcript NM_016343.4 (MANE Select); coding-DNA position 1026, one base deleted (A; older notation c.1026delA).
Protein change: p.Glu342fs; shifts the reading frame from glutamic acid 342.
Molecular consequence: frameshift variant.
Genome position (GRCh38, 1-based): chr1:214,622,239, A deleted; the last of 2 consecutive A bases (chr1:214,622,238-214,622,239); deleting either gives the same sequence. VCF-style (leftmost placement, unchanged base first): chr1-214622237-GA-G. GRCh37 (hg19) VCF-style: chr1-214795580-GA-G.
Other names: c.1026delA (NM_016343.3, NM_016343.4); short protein forms E342fs.
Identifiers: ClinVar variation 421569 (VCV000421569.5), dbSNP rs1064795215, ClinGen allele CA16617051.
Genomic context (GRCh38, chr1:214,622,237, plus strand): 5'-CTGGAGAAAGCAAAAGTGGAATTAATTGAAAAAGAGAAAGTTTTGAACAAATGTAGGGAT[GA>G]ACTAGTGAGAACAACAGCACAATACGACCAGGCGTCAACCAAGGTACTTGACTTTTCGTG-3'